The following is an entry in ClinVar:

NM_001349253.2(SCN11A):c.1041G>A (p.Trp347Ter)

Gene: SCN11A (sodium voltage-gated channel alpha subunit 11; minus strand). Cytogenetic location: 3p22.2.
Variant type: single nucleotide variant.
Coding change: c.1041G>A on transcript NM_001349253.2 (MANE Select); coding-DNA position 1041, G replaced by A.
Protein change: p.Trp347Ter; replaces tryptophan 347 with a stop codon.
Molecular consequence: nonsense.
Genome position (GRCh38, 1-based): chr3:38,910,126, C>T on the plus strand (G>A on the coding strand, the complement: SCN11A is on the minus strand). VCF-style: chr3-38910126-C-T. GRCh37 (hg19) VCF-style: chr3-38951617-C-T.
Other names: c.1041G>A, p.Trp347Ter (NM_014139.3); short protein forms W347*.
Identifiers: ClinVar variation 3755618 (VCV003755618.2).

ClinVar aggregate classification (germline): Uncertain significance (1 of 4 stars; one submission).

Conditions:
Hereditary sensory and autonomic neuropathy type 7. Also called: HSAN VII; Neuropathy, hereditary sensory and autonomic, type VII. Identifiers: Orphanet 391397, MedGen C3809882, MONDO:0014244, OMIM 615548.
Familial episodic pain syndrome with predominantly lower limb involvement. Also called: Episodic pain syndrome, familial, 3. Identifiers: Orphanet 391384, Orphanet 391392, MedGen C3809899, MONDO:0014247, OMIM 615552.

Submission:

Labcorp Genetics (formerly Invitae), Labcorp
Classification: Uncertain significance for Familial episodic pain syndrome with predominantly lower limb involvement; Hereditary sensory and autonomic neuropathy type 7. Last evaluated: 2024-04-01. Review status: criteria provided, single submitter. Criteria: Invitae Variant Classification Sherloc (09022015). Collection method: clinical testing. Allele origin: germline.
Comment: This sequence change creates a premature translational stop signal (p.Trp347*) in the SCN11A gene. It is expected to result in an absent or disrupted protein product. However, the current clinical and genetic evidence is not sufficient to establish whether loss-of-function variants in SCN11A cause disease. This variant is not present in population databases (gnomAD no frequency). This variant has not been reported in the literature in individuals affected with SCN11A-related conditions. Algorithms developed to predict the effect of sequence changes on RNA splicing suggest that this variant may disrupt the consensus splice site. In summary, the available evidence is currently insufficient to determine the role of this variant in disease. Therefore, it has been classified as a Variant of Uncertain Significance.